The following is an entry in ClinVar:

NM_001291303.3(FAT4):c.739C>T (p.Pro247Ser)

Gene: FAT4 (FAT atypical cadherin 4; plus strand). Cytogenetic location: 4q28.1.
Variant type: single nucleotide variant.
Coding change: c.739C>T on transcript NM_001291303.3 (MANE Select); coding-DNA position 739, C replaced by T.
Protein change: p.Pro247Ser; replaces proline 247 with serine.
Molecular consequence: missense variant.
Genome position (GRCh38, 1-based): chr4:125,317,150, C>T. VCF-style: chr4-125317150-C-T. GRCh37 (hg19) VCF-style: chr4-126238305-C-T.
Other names: c.739C>T, p.Pro247Ser (NM_001291285.3, NM_024582.6); short protein forms P247S.
Identifiers: ClinVar variation 809679 (VCV000809679.46), dbSNP rs191329848, ClinGen allele CA3071853.

ClinVar aggregate classification (germline): Uncertain significance. Review status: criteria provided, multiple submitters, no conflicts (2 of 4 stars). 3 submissions from 3 submitters: Uncertain significance (3). Last evaluated 2026-05-01.

Allele frequency attached by ClinVar (database versions not stated): TOPMed 0.00006; 1000 Genomes Project 30x 0.00031.

Submissions (3):

CeGaT Center for Human Genetics Tuebingen
Classification: Uncertain significance. Last evaluated: 2026-05-01. Review status: criteria provided, single submitter. Criteria: CeGaT Center For Human Genetics Tuebingen Variant Classification Criteria Version 2. Collection method: clinical testing. Allele origin: germline. Affected: yes. Observed: 2 variant alleles.
Comment: FAT4: PM2

GeneDx
Classification: Uncertain significance. Last evaluated: 2023-06-26. Review status: criteria provided, single submitter. Criteria: GeneDx Variant Classification Process June 2021. Collection method: clinical testing. Allele origin: germline. Affected: yes.
Comment: Not observed at significant frequency in large population cohorts (gnomAD); In silico analysis, which includes protein predictors and evolutionary conservation, supports a deleterious effect; Has not been previously published as pathogenic or benign to our knowledge; This variant is associated with the following publications: (PMID: 29884787)

Labcorp Genetics (formerly Invitae), Labcorp
Classification: Uncertain significance. Last evaluated: 2022-08-08. Review status: criteria provided, single submitter. Criteria: Invitae Variant Classification Sherloc (09022015). Collection method: clinical testing. Allele origin: germline.
Comment: This sequence change replaces proline, which is neutral and non-polar, with serine, which is neutral and polar, at codon 247 of the FAT4 protein (p.Pro247Ser). This variant is present in population databases (rs191329848, gnomAD 0.01%). This variant has not been reported in the literature in individuals affected with FAT4-related conditions. ClinVar contains an entry for this variant (Variation ID: 809679). Advanced modeling of protein sequence and biophysical properties (such as structural, functional, and spatial information, amino acid conservation, physicochemical variation, residue mobility, and thermodynamic stability) performed at Invitae indicates that this missense variant is not expected to disrupt FAT4 protein function. In summary, the available evidence is currently insufficient to determine the role of this variant in disease. Therefore, it has been classified as a Variant of Uncertain Significance.